The following is an entry in ClinVar:

ClinVar aggregate classification (germline): Likely benign. Review status: criteria provided, multiple submitters, no conflicts (2 of 4 stars). 2 submissions from 2 submitters: Likely benign (2). Last evaluated 2025-09-16.

Conditions:
NEFH-related disorder. Also called: NEFH-related condition.

Allele frequency attached by ClinVar (database versions not stated): gnomAD exomes 0.00001 and 0.00003; TOPMed 0.00014; gnomAD 0.00018 and 0.00019; 1000 Genomes Project 30x 0.00031.
gnomAD v4.1: 37 of 1,532,134 alleles (0.0024%); highest among the groups gnomAD compares: African/African-American, 0.049%; no homozygotes.

Submissions (2):

PreventionGenetics, part of Exact Sciences
Classification: Likely benign for NEFH-related condition. Last evaluated: 2025-09-16. Review status: criteria provided, single submitter. Criteria: ACMG Guidelines, 2015. Collection method: clinical testing. Allele origin: germline.
Comment: This variant is classified as likely benign based on ACMG/AMP sequence variant interpretation guidelines (Richards et al. 2015 PMID: 25741868, with internal and published modifications).

Labcorp Genetics (formerly Invitae), Labcorp
Classification: Likely benign. Last evaluated: 2025-01-22. Review status: criteria provided, single submitter. Criteria: Invitae Variant Classification Sherloc (09022015). Collection method: clinical testing. Allele origin: germline.

NM_021076.4(NEFH):c.807G>C (p.Ser269=)

Gene: NEFH (neurofilament heavy chain; plus strand). Cytogenetic location: 22q12.2.
Variant type: single nucleotide variant.
Coding change: c.807G>C on transcript NM_021076.4 (MANE Select); coding-DNA position 807, G replaced by C.
Protein change: p.Ser269=; no amino-acid change (serine 269 retained).
Molecular consequence: synonymous variant.
Genome position (GRCh38, 1-based): chr22:29,481,069, G>C. VCF-style: chr22-29481069-G-C. GRCh37 (hg19) VCF-style: chr22-29877058-G-C.
Other names: c.807G>C (NM_021076.3).
Identifiers: ClinVar variation 1611050 (VCV001611050.9), dbSNP rs771662402, ClinGen allele CA10174040.